The following is an entry in ClinVar:

NM_001278716.2(FBXL4):c.978A>G (p.Gln326=)

Gene: FBXL4 (F-box and leucine rich repeat protein 4; minus strand). Cytogenetic location: 6q16.2.
Variant type: single nucleotide variant.
Coding change: c.978A>G on transcript NM_001278716.2 (MANE Select); coding-DNA position 978, A replaced by G.
Protein change: p.Gln326=; no amino-acid change (glutamine 326 retained).
Molecular consequence: synonymous variant. On other transcripts: non-coding transcript variant (2).
Genome position (GRCh38, 1-based): chr6:98,905,551, T>C on the plus strand (A>G on the coding strand, the complement: FBXL4 is on the minus strand). VCF-style: chr6-98905551-T-C. GRCh37 (hg19) VCF-style: chr6-99353427-T-C.
Other names: c.978A>G, p.Gln326= (NM_012160.5).
Identifiers: ClinVar variation 380510 (VCV000380510.45), dbSNP rs61744041, ClinGen allele CA3933570.

ClinVar aggregate classification (germline): Benign. Review status: criteria provided, multiple submitters, no conflicts (2 of 4 stars). 5 submissions from 5 submitters: Benign (4). 1 of the submissions does not count toward it. Last evaluated 2026-08-01.

Conditions:
Mitochondrial DNA depletion syndrome 13. Also called: Mitochondrial DNA depletion syndrome 13 (encephalomyopathic type); FBXL4-Related Encephalomyopathic Mitochondrial DNA Depletion Syndrome. Identifiers: Orphanet 369897, MedGen C3809592, MONDO:0014198, OMIM 615471.

Allele frequency attached by ClinVar (database versions not stated): 1000 Genomes Project 30x 0.00344; 1000 Genomes Project 0.00439; gnomAD 0.00506 and 0.00529; TOPMed 0.00536; gnomAD exomes 0.00544 and 0.00556; ExAC 0.00570; ESP Exome Variant Server 0.00684.
gnomAD v4.1: 8,738 of 1,614,032 alleles (0.54%); highest among the groups gnomAD compares: Middle Eastern, 1.7%; 48 homozygotes.

Submissions (8):

CeGaT Center for Human Genetics Tuebingen
Classification: Benign. Last evaluated: 2026-08-01. Review status: criteria provided, single submitter. Criteria: CeGaT Center For Human Genetics Tuebingen Variant Classification Criteria Version 2. Collection method: clinical testing. Allele origin: germline. Affected: yes. Observed: 27 variant alleles.
Comment: FBXL4: BP4, BP7, BS1, BS2

Labcorp Genetics (formerly Invitae), Labcorp
Classification: Benign. Last evaluated: 2026-02-01. Review status: criteria provided, single submitter. Criteria: Invitae Variant Classification Sherloc (09022015). Collection method: clinical testing. Allele origin: germline.

Wong Mito Lab, Molecular and Human Genetics, Baylor College of Medicine
Classification: Benign for Mitochondrial DNA depletion syndrome 13. Last evaluated: 2017-08-10. Review status: criteria provided, single submitter. Criteria: ACMG Guidelines, 2015. Collection method: reference population. Allele origin: germline.
Comment: The NM_012160.4:c.978A>G (NP_036292.2:p.Gln326=) [GRCH38: NC_000006.12:g.98905551T>C] variant in FBXL4 gene is interpretated to be a Benign based on ACMG guidelines (PMID: 25741868). This variant meets one or more of the following evidence codes reported in the ACMG-guideline. BS1:The minor allele frequency of this allele is high for Mitochondrial DNA depletion syndrome 13. BS2:Observation of the variant is in controls is inconsistent with penetrance of Mitochondrial DNA depletion syndrome 13. Based on this evidence code ClinGen Pathogenicity Calculator (PMID:28081714) suggested that the variant is Benign.

GeneDx
Classification: Benign. Last evaluated: 2016-02-22. Review status: criteria provided, single submitter. Criteria: GeneDx Variant Classification (06012015). Collection method: clinical testing. Allele origin: germline. Affected: yes.
Comment: This variant is considered likely benign or benign based on one or more of the following criteria: it is a conservative change, it occurs at a poorly conserved position in the protein, it is predicted to be benign by multiple in silico algorithms, and/or has population frequency not consistent with disease.

Mayo Clinic Laboratories, Mayo Clinic
Classification: Likely benign. Last evaluated: 2016-03-09. Review status: no assertion criteria provided. Collection method: clinical testing. Allele origin: unknown. Not counted in ClinVar's aggregate classification.

Dr. Peter K. Rogan Lab, Western University
No classification provided (evidence only). Condition: Thyroid cancer, nonmedullary, 1. Review status: no classification provided. Collection method: in vitro. Allele origin: not applicable. Functional consequence: retained intron. Not counted in ClinVar's aggregate classification.

Dr. Peter K. Rogan Lab, Western University
No classification provided (evidence only). Condition: Hepatocellular carcinoma. Review status: no classification provided. Collection method: in vitro. Allele origin: not applicable. Functional consequence: retained intron. Not counted in ClinVar's aggregate classification.

Dr. Peter K. Rogan Lab, Western University
No classification provided (evidence only). Condition: Ovarian serous cystadenocarcinoma. Review status: no classification provided. Collection method: in vitro. Allele origin: not applicable. Functional consequence: retained intron. Not counted in ClinVar's aggregate classification.